The following is an entry in ClinVar:

NM_002691.4(POLD1):c.1254C>A (p.Phe418Leu)

Gene: POLD1 (DNA polymerase delta 1, catalytic subunit; plus strand). Cytogenetic location: 19q13.33.
Variant type: single nucleotide variant.
Coding change: c.1254C>A on transcript NM_002691.4 (MANE Select); coding-DNA position 1254, C replaced by A.
Protein change: p.Phe418Leu; replaces phenylalanine 418 with leucine.
Molecular consequence: missense variant. On other transcripts: non-coding transcript variant (1).
Genome position (GRCh38, 1-based): chr19:50,406,193, C>A. VCF-style: chr19-50406193-C-A. GRCh37 (hg19) VCF-style: chr19-50909450-C-A.
Other names: c.1254C>A, p.Phe418Leu (NM_001256849.1, NM_001308632.1); short protein forms F418L.
Identifiers: ClinVar variation 2700266 (VCV002700266.3), dbSNP rs2038871423, ClinGen allele CA406979725.
Genomic context (GRCh38, chr19:50,406,193, plus strand): 5'-ATGTGACGGGGACCCGCAGCCTGCTGCACACCCTGCCTCTCCTCCTCAGGTACAAACATT[C>A]CCTTTCCTGGGCCGTGTGGCCGGCCTTTGCTCCAACATCCGGGACTCTTCATTCCAGTCC-3'
Protein context (NP_002682.2, residues 408-428): SRAQTLKVQT[Phe418Leu]PFLGRVAGLC

ClinVar aggregate classification (germline): Uncertain significance (1 of 4 stars; one submission).

Conditions:
POLD1-related polyposis and colorectal cancer syndrome (CRCS10). Also called: Colorectal cancer 10; Colorectal cancer, susceptibility to, 10; COLORECTAL CANCER, SUSCEPTIBILITY TO, ON CHROMOSOME 19q. Identifiers: Orphanet 220460, MedGen C2675481, MONDO:0012953, OMIM 612591.

Allele frequency attached by ClinVar (database versions not stated): TOPMed below 0.00001.

Submission:

Labcorp Genetics (formerly Invitae), Labcorp
Classification: Uncertain significance for POLD1-related polyposis and colorectal cancer syndrome. Last evaluated: 2024-12-06. Review status: criteria provided, single submitter. Criteria: Invitae Variant Classification Sherloc (09022015). Collection method: clinical testing. Allele origin: germline.
Comment: This sequence change replaces phenylalanine, which is neutral and non-polar, with leucine, which is neutral and non-polar, at codon 418 of the POLD1 protein (p.Phe418Leu). This variant is not present in population databases (gnomAD no frequency). This variant has not been reported in the literature in individuals affected with POLD1-related conditions. ClinVar contains an entry for this variant (Variation ID: 2700266). Invitae Evidence Modeling of protein sequence and biophysical properties (such as structural, functional, and spatial information, amino acid conservation, physicochemical variation, residue mobility, and thermodynamic stability) indicates that this missense variant is not expected to disrupt POLD1 protein function with a negative predictive value of 80%. In summary, the available evidence is currently insufficient to determine the role of this variant in disease. Therefore, it has been classified as a Variant of Uncertain Significance.